The following is an entry in ClinVar:

NM_000329.3(RPE65):c.954T>G (p.Tyr318Ter)

Gene: RPE65 (retinoid isomerohydrolase RPE65; minus strand). Cytogenetic location: 1p31.3.
Variant type: single nucleotide variant.
Coding change: c.954T>G on transcript NM_000329.3 (MANE Select); coding-DNA position 954, T replaced by G.
Protein change: p.Tyr318Ter; replaces tyrosine 318 with a stop codon.
Molecular consequence: nonsense.
Genome position (GRCh38, 1-based): chr1:68,438,986, A>C on the plus strand (T>G on the coding strand, the complement: RPE65 is on the minus strand). VCF-style: chr1-68438986-A-C. GRCh37 (hg19) VCF-style: chr1-68904669-A-C.
Other names: c.846T>G, p.Tyr282Ter (NM_001406853.1); c.678T>G, p.Tyr226Ter (NM_001406856.1, NM_001406857.1); c.954T>G, p.Tyr318Ter (NM_001406859.1); short protein forms Y226*, Y282*, Y318*.
Identifiers: ClinVar variation 3759617 (VCV003759617.2).
Genomic context (GRCh38, chr1:68,438,986, plus strand): 5'-CAGTGTCCTTTCTTACCCTTTCCAGCAGCAGAGATCCACAATCAGAAACCCATTGTCTTC[A>C]TAGGTGTTGATGTGATGGAAGAGGTTGAAAGGAGAAGTTCTGTATTTATTATTGAGGTAC-3'

ClinVar aggregate classification (germline): Pathogenic (1 of 4 stars; one submission).

Conditions:
Retinitis pigmentosa 20 (RP20). Identifiers: Orphanet 791, MedGen C3151086, MONDO:0013425, OMIM 613794.
Leber congenital amaurosis 2 (LCA2). Also called: AMAUROSIS CONGENITA OF LEBER II; Autosomal Recessive RPE65-Related Retinal Degeneration. Identifiers: Orphanet 65, MedGen C1859844, MONDO:0008765, OMIM 204100. Disease mechanism: loss of function.

Submission:

Labcorp Genetics (formerly Invitae), Labcorp
Classification: Pathogenic for Leber congenital amaurosis 2; Retinitis pigmentosa 20. Last evaluated: 2025-02-04. Review status: criteria provided, single submitter. Criteria: Invitae Variant Classification Sherloc (09022015). Collection method: clinical testing. Allele origin: germline.
Comment: This sequence change creates a premature translational stop signal (p.Tyr318*) in the RPE65 gene. It is expected to result in an absent or disrupted protein product. Loss-of-function variants in RPE65 are known to be pathogenic (PMID: 9326941, 9501220, 9843205, 18632300). This variant is not present in population databases (gnomAD no frequency). This variant has not been reported in the literature in individuals affected with RPE65-related conditions. For these reasons, this variant has been classified as Pathogenic.

Literature cited by the submitters: PubMed 9326941; PubMed 9501220; PubMed 9843205; PubMed 18632300.